The following is an entry in ClinVar:

ClinVar aggregate classification (germline): Benign/Likely benign. Review status: criteria provided, multiple submitters, no conflicts (2 of 4 stars). 6 submissions from 6 submitters: Benign (1); Likely benign (5). Last evaluated 2025-11-02.

Conditions:
Hereditary cancer-predisposing syndrome. Also called: Neoplastic Syndromes, Hereditary; Tumor predisposition; Hereditary Cancer Syndrome; Hereditary neoplastic syndrome. Identifiers: Orphanet 140162, MedGen C0027672, MeSH D009386, MONDO:0015356.
Familial cancer of breast. Also called: BREAST CANCER, FAMILIAL; hereditary breast carcinoma; Hereditary breast cancer. Identifiers: Orphanet 227535, MedGen C0346153, MONDO:0016419, OMIM 114480. Disease mechanism: loss of function.

Allele frequency attached by ClinVar (database versions not stated): gnomAD 0.00001.
gnomAD v4.1: 5 of 1,600,028 alleles (0.00031%); highest among the groups gnomAD compares: East Asian, 0.0022%; no homozygotes.

Submissions (6):

Labcorp Genetics (formerly Invitae), Labcorp
Classification: Likely benign for Familial cancer of breast. Last evaluated: 2025-11-02. Review status: criteria provided, single submitter. Criteria: Invitae Variant Classification Sherloc (09022015). Collection method: clinical testing. Allele origin: germline.

Women's Health and Genetics/Laboratory Corporation of America, LabCorp
Classification: Likely benign. Last evaluated: 2025-06-16. Review status: criteria provided, single submitter. Criteria: LabCorp Variant Classification Summary - May 2015. Collection method: clinical testing. Allele origin: germline.

Myriad Genetics, Inc.
Classification: Benign for Familial cancer of breast. Last evaluated: 2024-07-22. Review status: criteria provided, single submitter. Criteria: Myriad Autosomal Dominant, Autosomal Recessive and X-Linked Classification Criteria (2023). Collection method: clinical testing. Allele origin: unknown.
Comment: This variant is considered benign. This variant is a silent/synonymous amino acid change and it is not expected to impact splicing.

Color Diagnostics, LLC DBA Color Health
Classification: Likely benign for Hereditary cancer-predisposing syndrome. Last evaluated: 2018-12-03. Review status: criteria provided, single submitter. Criteria: ACMG Guidelines, 2015. Collection method: clinical testing. Allele origin: germline.

GeneDx
Classification: Likely benign. Last evaluated: 2016-07-12. Review status: criteria provided, single submitter. Criteria: GeneDx Variant Classification (06012015). Collection method: clinical testing. Allele origin: germline. Affected: yes.
Comment: This variant is considered likely benign or benign based on one or more of the following criteria: it is a conservative change, it occurs at a poorly conserved position in the protein, it is predicted to be benign by multiple in silico algorithms, and/or has population frequency not consistent with disease.

Ambry Genetics
Classification: Likely benign for Hereditary cancer-predisposing syndrome. Last evaluated: 2015-07-30. Review status: criteria provided, single submitter. Criteria: Ambry Variant Classification Scheme 2023. Collection method: clinical testing. Allele origin: germline.

NM_000465.4(BARD1):c.594T>G (p.Ala198=)

Gene: BARD1 (BRCA1 associated RING domain 1; minus strand). Cytogenetic location: 2q35.
Variant type: single nucleotide variant.
Coding change: c.594T>G on transcript NM_000465.4 (MANE Select); coding-DNA position 594, T replaced by G.
Protein change: p.Ala198=; no amino-acid change (alanine 198 retained).
Molecular consequence: synonymous variant. On other transcripts: non-coding transcript variant (2), intron variant (3).
Genome position (GRCh38, 1-based): chr2:214,781,280, A>C on the plus strand (T>G on the coding strand, the complement: BARD1 is on the minus strand). VCF-style: chr2-214781280-A-C. GRCh37 (hg19) VCF-style: chr2-215646004-A-C.
Other names: c.537T>G, p.Ala179= (NM_001282543.2); c.158+28132T>G (NM_001282548.2); c.215+15781T>G (NM_001282545.2); c.364+11017T>G (NM_001282549.2).
Identifiers: ClinVar variation 233154 (VCV000233154.21), dbSNP rs373763567, ClinGen allele CA10577843.